The following is an entry in ClinVar:

NM_017617.5(NOTCH1):c.4449C>G (p.Phe1483Leu)

Gene: NOTCH1 (notch receptor 1; minus strand). Cytogenetic location: 9q34.3.
Variant type: single nucleotide variant.
Coding change: c.4449C>G on transcript NM_017617.5 (MANE Select); coding-DNA position 4449, C replaced by G.
Protein change: p.Phe1483Leu; replaces phenylalanine 1483 with leucine.
Molecular consequence: missense variant.
Genome position (GRCh38, 1-based): chr9:136,505,447, G>C on the plus strand (C>G on the coding strand, the complement: NOTCH1 is on the minus strand). VCF-style: chr9-136505447-G-C. GRCh37 (hg19) VCF-style: chr9-139399899-G-C.
Other names: short protein forms F1483L.
Identifiers: ClinVar variation 2985957 (VCV002985957.3), dbSNP rs1843065620, ClinGen allele CA375647494.

ClinVar aggregate classification (germline): Uncertain significance (1 of 4 stars; one submission).

Conditions:
Adams-Oliver syndrome 5 (AOS5). Identifiers: Orphanet 974, MedGen C4014970, MONDO:0014459, OMIM 616028.

Allele frequency attached by ClinVar (database versions not stated): TOPMed 0.00001.

Submission:

Labcorp Genetics (formerly Invitae), Labcorp
Classification: Uncertain significance for Adams-Oliver syndrome 5. Last evaluated: 2023-10-24. Review status: criteria provided, single submitter. Criteria: Invitae Variant Classification Sherloc (09022015). Collection method: clinical testing. Allele origin: germline.
Comment: This sequence change replaces phenylalanine, which is neutral and non-polar, with leucine, which is neutral and non-polar, at codon 1483 of the NOTCH1 protein (p.Phe1483Leu). This variant is not present in population databases (gnomAD no frequency). This variant has not been reported in the literature in individuals affected with NOTCH1-related conditions. Advanced modeling of protein sequence and biophysical properties (such as structural, functional, and spatial information, amino acid conservation, physicochemical variation, residue mobility, and thermodynamic stability) performed at Invitae indicates that this missense variant is not expected to disrupt NOTCH1 protein function with a negative predictive value of 80%. In summary, the available evidence is currently insufficient to determine the role of this variant in disease. Therefore, it has been classified as a Variant of Uncertain Significance.